The following is an entry in ClinVar:

NM_000443.4(ABCB4):c.997G>A (p.Ala333Thr)

Gene: ABCB4 (ATP binding cassette subfamily B member 4; minus strand). Cytogenetic location: 7q21.12.
Variant type: single nucleotide variant.
Coding change: c.997G>A on transcript NM_000443.4 (MANE Select); coding-DNA position 997, G replaced by A.
Protein change: p.Ala333Thr; replaces alanine 333 with threonine.
Molecular consequence: missense variant.
Genome position (GRCh38, 1-based): chr7:87,447,042, C>T on the plus strand (G>A on the coding strand, the complement: ABCB4 is on the minus strand). VCF-style: chr7-87447042-C-T. GRCh37 (hg19) VCF-style: chr7-87076358-C-T.
Other names: c.997G>A (NM_000443.3); c.997G>A, p.Ala333Thr (NM_018849.3, NM_018850.3); short protein forms A333T.
Identifiers: ClinVar variation 1518313 (VCV001518313.6), dbSNP rs780152646, ClinGen allele CA4327416.

ClinVar aggregate classification (germline): Uncertain significance. Review status: criteria provided, multiple submitters, no conflicts (2 of 4 stars). 3 submissions from 3 submitters: Uncertain significance (3). Last evaluated 2026-03-13.

Conditions:
ABCB4-related disorder. Also called: ABCB4-related disorders; ABCB4-related condition.
Inborn genetic diseases. Identifiers: MedGen C0950123, MeSH D030342.

Allele frequency attached by ClinVar (database versions not stated): ExAC 0.00001; gnomAD 0.00001; TOPMed 0.00001; gnomAD exomes 0.00002 and 0.00004.
gnomAD v4.1: 61 of 1,612,594 alleles (0.0038%); highest among the groups gnomAD compares: Non-Finnish European, 0.005%; no homozygotes.

Submissions (3):

PreventionGenetics, part of Exact Sciences
Classification: Uncertain significance for ABCB4-related condition. Last evaluated: 2026-03-13. Review status: criteria provided, single submitter. Criteria: ACMG Guidelines, 2015. Collection method: clinical testing. Allele origin: germline.
Comment: The ABCB4 c.997G>A variant is predicted to result in the amino acid substitution p.Ala333Thr. To our knowledge, this variant has not been reported in the literature. This variant is reported in 0.0039% of alleles in individuals of European (Non-Finnish) descent in gnomAD. At this time, the clinical significance of this variant is uncertain due to the absence of conclusive functional and genetic evidence.

Ambry Genetics
Classification: Uncertain significance for Inborn genetic diseases. Last evaluated: 2025-04-10. Review status: criteria provided, single submitter. Criteria: Ambry Variant Classification Scheme 2023. Collection method: clinical testing. Allele origin: germline.

Labcorp Genetics (formerly Invitae), Labcorp
Classification: Uncertain significance. Last evaluated: 2025-03-17. Review status: criteria provided, single submitter. Criteria: Invitae Variant Classification Sherloc (09022015). Collection method: clinical testing. Allele origin: germline.
Comment: This sequence change replaces alanine, which is neutral and non-polar, with threonine, which is neutral and polar, at codon 333 of the ABCB4 protein (p.Ala333Thr). This variant is present in population databases (rs780152646, gnomAD 0.003%). This variant has not been reported in the literature in individuals affected with ABCB4-related conditions. ClinVar contains an entry for this variant (Variation ID: 1518313). Invitae Evidence Modeling of protein sequence and biophysical properties (such as structural, functional, and spatial information, amino acid conservation, physicochemical variation, residue mobility, and thermodynamic stability) indicates that this missense variant is not expected to disrupt ABCB4 protein function with a negative predictive value of 80%. In summary, the available evidence is currently insufficient to determine the role of this variant in disease. Therefore, it has been classified as a Variant of Uncertain Significance.